The following is an entry in ClinVar:

NM_000543.5(SMPD1):c.99G>A (p.Met33Ile)

Gene: SMPD1 (sphingomyelin phosphodiesterase 1; plus strand). Cytogenetic location: 11p15.4.
Variant type: single nucleotide variant.
Coding change: c.99G>A on transcript NM_000543.5 (MANE Select); coding-DNA position 99, G replaced by A.
Protein change: p.Met33Ile; replaces methionine 33 with isoleucine.
Molecular consequence: missense variant. On other transcripts: 5 prime UTR variant (1), non-coding transcript variant (2).
Genome position (GRCh38, 1-based): chr11:6,390,697, G>A. VCF-style: chr11-6390697-G-A. GRCh37 (hg19) VCF-style: chr11-6411927-G-A.
Other names: c.99G>A, p.Met33Ile (NM_001007593.3, NM_001318087.2, NM_001365135.2); c.-863G>A (NM_001318088.2); short protein forms M33I.
Identifiers: ClinVar variation 285418 (VCV000285418.25), dbSNP rs142178073, ClinGen allele CA5852471.

ClinVar aggregate classification (germline): Benign/Likely benign. Review status: criteria provided, multiple submitters, no conflicts (2 of 4 stars). 7 submissions from 7 submitters: Benign (2); Likely benign (3). 2 of the submissions do not count toward it. Last evaluated 2026-01-28.

Conditions:
Niemann-Pick disease, type A. Also called: Infantile Neurovisceral ASMD (Niemann-Pick Disease Type A; NPD-A); SPHINGOMYELIN LIPIDOSIS; SPHINGOMYELINASE DEFICIENCY. Identifiers: Orphanet 77292, MedGen C0268242, MONDO:0009756, OMIM 257200. Disease mechanism: loss of function.
Niemann-Pick disease, type B. Also called: Chronic Visceral ASMD (Niemann-Pick Disease Type B; NPD-B). Identifiers: Orphanet 77293, MedGen C0268243, MONDO:0011871, OMIM 607616. Disease mechanism: loss of function.
SMPD1-related disorder. Also called: SMPD1-related condition.

Allele frequency attached by ClinVar (database versions not stated): gnomAD exomes 0.00026 and 0.00070; ExAC 0.00107; gnomAD 0.00343 and 0.00371; TOPMed 0.00351; 1000 Genomes Project 30x 0.00359; 1000 Genomes Project 0.00379; ESP Exome Variant Server 0.00441.

Submissions (7):

Labcorp Genetics (formerly Invitae), Labcorp
Classification: Benign for Niemann-Pick disease, type B; Niemann-Pick disease, type A. Last evaluated: 2026-01-28. Review status: criteria provided, single submitter. Criteria: Invitae Variant Classification Sherloc (09022015). Collection method: clinical testing. Allele origin: germline.

Blueprint Genetics
Classification: Likely benign. Last evaluated: 2024-10-18. Review status: criteria provided, single submitter. Criteria: ACMG Guidelines, 2015. Collection method: clinical testing. Allele origin: germline.

GeneDx
Classification: Likely benign. Last evaluated: 2021-05-21. Review status: criteria provided, single submitter. Criteria: GeneDx Variant Classification Process June 2021. Collection method: clinical testing. Allele origin: germline. Affected: yes.
Comment: See Variant Classification Assertion Criteria.

Illumina Laboratory Services, Illumina
Classification: Likely benign for Niemann-Pick disease, type A. Last evaluated: 2017-04-28. Review status: criteria provided, single submitter. Criteria: ICSL Variant Classification Criteria 13 December 2019. Collection method: clinical testing. Allele origin: germline.
Comment: This variant was observed as part of a predisposition screen in an ostensibly healthy population. A literature search was performed for the gene, cDNA change, and amino acid change (where applicable). Publications were found based on this search. The evidence from the literature, in combination with allele frequency data from public databases where available, was sufficient to determine this variant is unlikely to cause disease. Therefore, this variant is classified as likely benign.

Eurofins Ntd Llc (ga)
Classification: Benign. Last evaluated: 2016-01-21. Review status: criteria provided, single submitter. Criteria: EGL Classification Definitions 2015. Collection method: clinical testing. Allele origin: germline. Observed: 1 variant allele, 1 heterozygote.

PreventionGenetics, part of Exact Sciences
Classification: Benign for SMPD1-related condition. Last evaluated: 2023-01-10. Review status: no assertion criteria provided. Collection method: clinical testing. Allele origin: germline. Not counted in ClinVar's aggregate classification.
Comment: This variant is classified as benign based on ACMG/AMP sequence variant interpretation guidelines (Richards et al. 2015 PMID: 25741868, with internal and published modifications).

Natera, Inc.
Classification: Likely benign for Niemann-Pick Disease, Types A/B. Last evaluated: 2017-05-05. Review status: no assertion criteria provided. Collection method: clinical testing. Allele origin: germline. Not counted in ClinVar's aggregate classification.

Literature cited by the submitters: PubMed 25933391 (cited by Illumina Laboratory Services, Illumina).